The following is an entry in ClinVar:

NM_000238.4(KCNH2):c.1169T>C (p.Leu390Pro)

Gene: KCNH2 (potassium voltage-gated channel subfamily H member 2; minus strand). Cytogenetic location: 7q36.1.
Variant type: single nucleotide variant.
Coding change: c.1169T>C on transcript NM_000238.4 (MANE Select); coding-DNA position 1169, T replaced by C.
Protein change: p.Leu390Pro; replaces leucine 390 with proline.
Molecular consequence: missense variant. On other transcripts: non-coding transcript variant (2).
Genome position (GRCh38, 1-based): chr7:150,952,813, A>G on the plus strand (T>C on the coding strand, the complement: KCNH2 is on the minus strand). VCF-style: chr7-150952813-A-G. GRCh37 (hg19) VCF-style: chr7-150649901-A-G.
Other names: c.149T>C, p.Leu50Pro (NM_001204798.2, NM_172057.3); c.881T>C, p.Leu294Pro (NM_001406753.1, NM_001406756.1); c.992T>C, p.Leu331Pro (NM_001406755.1); c.869T>C, p.Leu290Pro (NM_001406757.1); c.1169T>C, p.Leu390Pro (NM_172056.3); short protein forms L331P, L390P, L290P, L294P, L50P.
Identifiers: ClinVar variation 5022974 (VCV005022974.1).
Genomic context (GRCh38, chr7:150,952,813, plus strand): 5'-CACACGGCCTTGAAGGGGCTGTAATGCAGGATGGTCCAGCGGTGGATGCGCGGTGCCTGC[A>G]GCTTGTACTCAGGCAGCACGTCGGCGCCCAGGGACAGGACCTGCACCCGGGGAAGGCGGA-3'
Protein context (NP_000229.1, residues 380-400): LGADVLPEYK[Leu390Pro]QAPRIHRWTI

ClinVar aggregate classification (germline): Uncertain significance (1 of 4 stars; one submission).

Conditions:
Cardiovascular phenotype. Identifiers: MedGen CN230736.

Submission:

Ambry Genetics
Classification: Uncertain significance for Cardiovascular phenotype. Last evaluated: 2026-07-01. Review status: criteria provided, single submitter. Criteria: Ambry Variant Classification Scheme 2023. Collection method: clinical testing. Allele origin: germline.
Comment: The p.L390P variant (also known as c.1169T>C), located in coding exon 6 of the KCNH2 gene, results from a T to C substitution at nucleotide position 1169. The leucine at codon 390 is replaced by proline, an amino acid with similar properties. This amino acid position is conserved. In addition, this alteration is predicted to be deleterious by in silico analysis. Based on the available evidence, the clinical significance of this variant remains unclear.